The following is an entry in ClinVar:

ClinVar aggregate classification (germline): Pathogenic (1 of 4 stars; one submission).

Conditions:
Fabry disease. Also called: Fabry's disease; ALPHA-GALACTOSIDASE A DEFICIENCY; ANDERSON-FABRY DISEASE; CERAMIDE TRIHEXOSIDASE DEFICIENCY; GLA DEFICIENCY; HEREDITARY DYSTOPIC LIPIDOSIS. Identifiers: Orphanet 324, MedGen C0002986, MONDO:0010526, OMIM 301500, HP:0001071. Disease mechanism: Fabry disease is due to inactivating mutations in the X-linked GLA gene resulting in deficiency of the enzyme Alpha Galactosidase-A., loss of function.

Submission:

Genomenon, Inc
Classification: Pathogenic for Fabry disease. Last evaluated: 2026-09-08. Review status: criteria provided, single submitter. Criteria: Genomenon Sequence Variant Interpretation Standards - Updated. Collection method: curation. Allele origin: germline. Affected: yes.
Comment: GLA p.Cys56Ser (c.167G>C) is a missense variant that changes the amino acid at codon 56 from Cysteine to Serine. This variant has been observed in at least one proband with clinical features consistent with Fabry disease (PMID:31392112). At least one functional study has demonstrated a substantial alteration in protein function relative to the wild-type (PMID:27657681). This variant is located in a mutational hotspot and/or important functional domain. It is absent or not present at a significant frequency in gnomAD. In silico models predict that this variant is possibly or probably damaging. In conclusion, we classify GLA p.Cys56Ser (c.167G>C) as a pathogenic variant.

Literature cited by the submitters: PubMed 31392112; PubMed 27657681.

NM_000169.3(GLA):c.167G>C (p.Cys56Ser)

Genes: GLA (galactosidase alpha; minus strand), RPL36A-HNRNPH2 (RPL36A-HNRNPH2 readthrough; plus strand). Cytogenetic location: Xq22.1.
Variant type: single nucleotide variant.
Coding change: c.167G>C on transcript NM_000169.3 (MANE Select); coding-DNA position 167, G replaced by C.
Protein change: p.Cys56Ser; replaces cysteine 56 with serine.
Molecular consequence: missense variant. On other transcripts: non-coding transcript variant (3), intron variant (2).
Genome position (GRCh38, 1-based): chrX:101,407,737, C>G on the plus strand (G>C on the coding strand, the complement: GLA is on the minus strand). VCF-style: chrX-101407737-C-G. GRCh37 (hg19) VCF-style: chrX-100662725-C-G.
Other names: c.167G>C, p.Cys56Ser (NM_001406747.1, NM_001406748.1, NM_001406749.1); c.301-4199C>G (NM_001199973.2); c.178-4199C>G (NM_001199974.2); short protein forms C56S.
Identifiers: ClinVar variation 4087687 (VCV004087687.2).
Genomic context (GRCh38, chrX:101,407,737, plus strand): 5'-AGCAAAGGGAAGGGAGTACCCAATATCTGATACCTGATGCAGGAATCTGGCTCTTCCTGG[C>G]AGTCAAGGTTGCACATGAAGCGCTCCCAGTGCAGCCAGCCCATGGTAGGCGTCCTTGCCA-3'
Protein context (NP_000160.1, residues 46-66): HWERFMCNLD[Cys56Ser]QEEPDSCISE